The following is an entry in ClinVar:

ClinVar aggregate classification (germline): Uncertain significance. Review status: criteria provided, multiple submitters, no conflicts (2 of 4 stars). 8 submissions from 4 submitters: Uncertain significance (8). Last evaluated 2026-01-10.

Conditions:
Autosomal recessive limb-girdle muscular dystrophy type 2J (LGMDR10). Also called: MUSCULAR DYSTROPHY, LIMB-GIRDLE, AUTOSOMAL RECESSIVE 10; Limb-girdle muscular dystrophy, type 2J. Identifiers: Orphanet 140922, MedGen C1837342, MONDO:0012127, OMIM 608807.
Dilated cardiomyopathy 1G (CMD1G). Identifiers: Orphanet 154, MedGen C1858763, MONDO:0011400, OMIM 604145.
Early-onset myopathy with fatal cardiomyopathy (CMYO5). Also called: CONGENITAL MYOPATHY 5 WITH CARDIOMYOPATHY; Salih Myopathy. Identifiers: Orphanet 289377, MedGen C2673677, MONDO:0012714, OMIM 611705. Disease mechanism: loss of function.
Myopathy, myofibrillar, 9, with early respiratory failure (MFM9). Also called: EDSTROM MYOPATHY; Hereditary myopathy with early respiratory failure; MYOPATHY, PROXIMAL, WITH EARLY RESPIRATORY MUSCLE INVOLVEMENT; Myopathy, distal, with early respiratory failure, autosomal dominant. Identifiers: Orphanet 178464, Orphanet 34521, MedGen C1863599, MONDO:0011362, OMIM 603689.
Tibial muscular dystrophy (TMD). Also called: Tibial muscular dystrophy, tardive; Udd Distal Myopathy – Tibial Muscular Dystrophy; UDD MYOPATHY. Identifiers: Orphanet 609, MedGen C1838244, MONDO:0010870, OMIM 600334.

Allele frequency attached by ClinVar (database versions not stated): gnomAD 0.00001 and 0.00002; ExAC 0.00002; TOPMed 0.00003; 1000 Genomes Project 30x 0.00016; 1000 Genomes Project 0.00040.
gnomAD v4.1: 13 of 1,613,764 alleles (0.00081%); highest among the groups gnomAD compares: East Asian, 0.0067%; no homozygotes.

Submissions (8):

Labcorp Genetics (formerly Invitae), Labcorp
Classification: Uncertain significance for Dilated cardiomyopathy 1G; Autosomal recessive limb-girdle muscular dystrophy type 2J. Last evaluated: 2026-01-10. Review status: criteria provided, single submitter. Criteria: Invitae Variant Classification Sherloc (09022015). Collection method: clinical testing. Allele origin: germline.
Comment: This sequence change falls in intron 329 of the TTN gene. It does not directly change the encoded amino acid sequence of the TTN protein. It affects a nucleotide within the consensus splice site. The frequency data for this variant in the population databases is considered unreliable, as metrics indicate poor data quality at this position in the gnomAD database. This variant has not been reported in the literature in individuals affected with TTN-related conditions. ClinVar contains an entry for this variant (Variation ID: 202525). Variants that disrupt the consensus splice site are a relatively common cause of aberrant splicing (PMID: 17576681, 9536098). Algorithms developed to predict the effect of sequence changes on RNA splicing suggest that this variant may disrupt the consensus splice site. This variant is located in the A band of TTN (PMID: 25589632). Variants in this region may be relevant for cardiac or neuromuscular disorders (PMID: 25589632, 23975875). In summary, the available evidence is currently insufficient to determine the role of this variant in disease. Therefore, it has been classified as a Variant of Uncertain Significance.

GeneDx
Classification: Uncertain significance. Last evaluated: 2024-07-09. Review status: criteria provided, single submitter. Criteria: GeneDx Variant Classification Process June 2021. Collection method: clinical testing. Allele origin: germline. Affected: yes.
Comment: Not observed at significant frequency in large population cohorts (gnomAD); Has not been previously published as pathogenic or benign to our knowledge; In silico analysis is inconclusive as to whether the variant alters gene splicing. In the absence of RNA/functional studies, the actual effect of this sequence change is unknown.

Blueprint Genetics
Classification: Uncertain significance. Last evaluated: 2021-03-22. Review status: criteria provided, single submitter. Criteria: ACMG Guidelines, 2015. Collection method: clinical testing. Allele origin: germline.

Illumina Laboratory Services, Illumina
Classification: Uncertain significance for Dilated cardiomyopathy 1G. Last evaluated: 2018-01-12. Review status: criteria provided, single submitter. Criteria: ICSL Variant Classification Criteria 13 December 2019. Collection method: clinical testing. Allele origin: germline.

Illumina Laboratory Services, Illumina
Classification: Uncertain significance for Tibial muscular dystrophy. Last evaluated: 2018-01-12. Review status: criteria provided, single submitter. Criteria: ICSL Variant Classification Criteria 13 December 2019. Collection method: clinical testing. Allele origin: germline.

Illumina Laboratory Services, Illumina
Classification: Uncertain significance for Myopathy, myofibrillar, 9, with early respiratory failure. Last evaluated: 2018-01-12. Review status: criteria provided, single submitter. Criteria: ICSL Variant Classification Criteria 13 December 2019. Collection method: clinical testing. Allele origin: germline.

Illumina Laboratory Services, Illumina
Classification: Uncertain significance for Autosomal recessive limb-girdle muscular dystrophy type 2J. Last evaluated: 2018-01-12. Review status: criteria provided, single submitter. Criteria: ICSL Variant Classification Criteria 13 December 2019. Collection method: clinical testing. Allele origin: germline.

Illumina Laboratory Services, Illumina
Classification: Uncertain significance for Early-onset myopathy with fatal cardiomyopathy. Last evaluated: 2018-01-12. Review status: criteria provided, single submitter. Criteria: ICSL Variant Classification Criteria 13 December 2019. Collection method: clinical testing. Allele origin: germline.

Literature cited by the submitters: PubMed 17576681 (cited by Labcorp Genetics (formerly Invitae), Labcorp); PubMed 9536098 (cited by Labcorp Genetics (formerly Invitae), Labcorp); PubMed 25589632 (cited by Labcorp Genetics (formerly Invitae), Labcorp); PubMed 23975875 (cited by Labcorp Genetics (formerly Invitae), Labcorp).

NM_001267550.2(TTN):c.88009+5G>A

Genes: TTN (titin; minus strand), TTN-AS1 (TTN antisense RNA 1; plus strand). Cytogenetic location: 2q31.2.
Variant type: single nucleotide variant.
Coding change: c.88009+5G>A on transcript NM_001267550.2 (MANE Select); 5 bases into the intron after coding-DNA position 88009, G replaced by A.
Molecular consequence: intron variant.
Genome position (GRCh38, 1-based): chr2:178,557,248, C>T on the plus strand (G>A on the coding strand, the complement: TTN is on the minus strand). VCF-style: chr2-178557248-C-T. GRCh37 (hg19) VCF-style: chr2-179421975-C-T.
Other names: c.60814+5G>A (NM_003319.4); c.61390+5G>A (NM_133437.4); c.61189+5G>A (NM_133432.3); c.80305+5G>A (NM_133378.4); c.83086+5G>A (NM_001256850.1).
Identifiers: ClinVar variation 202525 (VCV000202525.16), dbSNP rs148231754, ClinGen allele CA309510.
Genomic context (GRCh38, chr2:178,557,248, plus strand): 5'-TGCTTCGCAGAAGTAAGATTTGCATTTTTGTTATCAGAACTGCCCTTCCCATGACAAATA[C>T]GTACCACAAGCATCAATTGCCAAGACTGGTTCAGAAGGATGGCTAGGTTTTCCAACTCCA-3'